The following is an entry in ClinVar:

NM_001256789.3(CACNA1F):c.1427AGG[2] (p.Glu478del)

Gene: CACNA1F (calcium voltage-gated channel subunit alpha1 F; minus strand). Cytogenetic location: Xp11.23.
Variant type: Microsatellite.
Coding change: c.1427AGG[2] on transcript NM_001256789.3 (MANE Select); two copies in a row of the 3-base unit AGG starting at c.1427; the reference has three copies in a row; one copy, 3 bases deleted.
Protein change: p.Glu478del; deletes glutamic acid 478.
Molecular consequence: inframe deletion.
Genome position (GRCh38, 1-based): chrX:49,226,437-49,226,439, CCT deleted on the plus strand (AGG on the coding strand, the reverse complement: CACNA1F is on the minus strand); deleting any 3 consecutive bases within chrX:49,226,437-49,226,446 gives the same sequence; the position shown is the placement nearest the transcript's 3' end. VCF-style (leftmost placement, unchanged base first): chrX-49226436-CCCT-C. GRCh37 (hg19) VCF-style: chrX-49082898-CCCT-C.
Other names: c.1265AGG[2], p.Glu424del (NM_001256790.3); c.1460AGG[2], p.Glu489del (NM_005183.4); c.1466_1468delAGG (NM_005183.3); short protein forms E489del, E424del, E478del.
Identifiers: ClinVar variation 1036191 (VCV001036191.10), dbSNP rs782326804, ClinGen allele CA10410873.

ClinVar aggregate classification (germline): Conflicting classifications of pathogenicity. Review status: criteria provided, conflicting classifications (1 of 4 stars). 3 submissions from 3 submitters: Uncertain significance (2); Likely benign (1). Last evaluated 2025-11-07.

Conditions:
CACNA1F-related disorder. Also called: CACNA1F-related condition.

Submissions (3):

PreventionGenetics, part of Exact Sciences
Classification: Uncertain significance for CACNA1F-related condition. Last evaluated: 2025-11-07. Review status: criteria provided, single submitter. Criteria: ACMG Guidelines, 2015. Collection method: clinical testing. Allele origin: germline.
Comment: The CACNA1F c.1466_1468delAGG variant is predicted to result in an in-frame deletion (p.Glu489del). To our knowledge, this variant has not been reported in the literature. This variant is reported in 0.0051% of alleles in individuals of European (Non-Finnish) descent in gnomAD, including ~20 hemizygotes in the latest version (v4.1) of gnomAD, which may be too frequent to be a primary cause of disease. Although we suspect that this variant may be benign, at this time, the clinical significance of this variant is uncertain due to the absence of conclusive functional and genetic evidence.

Labcorp Genetics (formerly Invitae), Labcorp
Classification: Uncertain significance. Last evaluated: 2024-01-29. Review status: criteria provided, single submitter. Criteria: Invitae Variant Classification Sherloc (09022015). Collection method: clinical testing. Allele origin: germline.
Comment: This variant, c.1466_1468del, results in the deletion of 1 amino acid(s) of the CACNA1F protein (p.Glu489del), but otherwise preserves the integrity of the reading frame. This variant is present in population databases (rs782326804, gnomAD 0.005%). This variant has not been reported in the literature in individuals affected with CACNA1F-related conditions. Experimental studies and prediction algorithms are not available or were not evaluated, and the functional significance of this variant is currently unknown. In summary, the available evidence is currently insufficient to determine the role of this variant in disease. Therefore, it has been classified as a Variant of Uncertain Significance.

Blueprint Genetics
Classification: Likely benign. Last evaluated: 2022-06-30. Review status: criteria provided, single submitter. Criteria: ACMG Guidelines, 2015. Collection method: clinical testing. Allele origin: germline.